The following is an entry in ClinVar:

NM_133433.4(NIPBL):c.6755_6756delinsGC (p.Asp2252Gly)

Gene: NIPBL (NIPBL cohesin loading factor; plus strand). Cytogenetic location: 5p13.2.
Variant type: Indel.
Coding change: c.6755_6756delinsGC on transcript NM_133433.4 (MANE Select); coding-DNA positions 6755 to 6756, AT replaced by GC.
Protein change: p.Asp2252Gly; replaces aspartic acid 2252 with glycine.
Molecular consequence: missense variant.
Genome position (GRCh38, 1-based): chr5:37,048,667-37,048,668, AT replaced by GC. VCF-style: chr5-37048667-AT-GC. GRCh37 (hg19) VCF-style: chr5-37048769-AT-GC.
Other names: c.6755_6756delinsGC, p.Asp2252Gly (NM_001438586.1, NM_015384.5); short protein forms D2252G.
Identifiers: ClinVar variation 5002405 (VCV005002405.1).
Genomic context (GRCh38, chr5:37,048,667, plus strand): 5'-AAGTGTTAAAAAACCTCCAGACCTACCTACAAGAAGAAGATACACGTATGCAGCAGGCAG[AT>GC]AGAGACTGTAAGTGAAAATATATTTTTAAATTTCATAGCTACATTTATATTATAATGGCT-3'
Protein context (NP_597677.2, residues 2242-2262): QEEDTRMQQA[Asp2252Gly]RDWKKVAKQE

ClinVar aggregate classification (germline): Uncertain significance (1 of 4 stars; one submission).

Conditions:
NIPBL-related disorder. Also called: NIPBL-related condition.

Submission:

PreventionGenetics, part of Exact Sciences
Classification: Uncertain significance for NIPBL-related condition. Last evaluated: 2025-04-16. Review status: criteria provided, single submitter. Criteria: ACMG Guidelines, 2015. Collection method: clinical testing. Allele origin: germline.
Comment: The NIPBL c.6755_6756delinsGC variant is predicted to result in an in-frame deletion and insertion. To our knowledge, this variant has not been reported in the literature or in a large population database (gnomAD), indicating this variant is rare. At this time, the clinical significance of this variant is uncertain due to the absence of conclusive functional and genetic evidence.